The following is an entry in ClinVar:

ClinVar aggregate classification (germline): Uncertain significance (1 of 4 stars; one submission).

Conditions:
PLXNA3-related disorder. Also called: PLXNA3-related condition.

Allele frequency attached by ClinVar (database versions not stated): gnomAD 0.00001; gnomAD exomes 0.00001; ExAC 0.00002; TOPMed 0.00002; ESP Exome Variant Server 0.00009.
gnomAD v4.1: 16 of 1,207,833 alleles (0.0013%); highest among the groups gnomAD compares: Admixed American, 0.0022%; no homozygotes.

Submission:

PreventionGenetics, part of Exact Sciences
Classification: Uncertain significance for PLXNA3-related condition. Last evaluated: 2026-02-09. Review status: criteria provided, single submitter. Criteria: ACMG Guidelines, 2015. Collection method: clinical testing. Allele origin: germline.
Comment: The PLXNA3 c.3710C>T variant is predicted to result in the amino acid substitution p.Ala1237Val. To our knowledge, this variant has not been reported in the literature. This variant is reported in 0.0012% of alleles in individuals of European (Non-Finnish) descent in gnomAD. At this time, the clinical significance of this variant is uncertain due to the absence of conclusive functional and genetic evidence.

NM_017514.5(PLXNA3):c.3710C>T (p.Ala1237Val)

Gene: PLXNA3 (plexin A3; plus strand). Cytogenetic location: Xq28.
Variant type: single nucleotide variant.
Coding change: c.3710C>T on transcript NM_017514.5 (MANE Select); coding-DNA position 3710, C replaced by T.
Protein change: p.Ala1237Val; replaces alanine 1237 with valine.
Molecular consequence: missense variant.
Genome position (GRCh38, 1-based): chrX:154,467,891, C>T. VCF-style: chrX-154467891-C-T. GRCh37 (hg19) VCF-style: chrX-153696234-C-T.
Other names: short protein forms A1237V.
Identifiers: ClinVar variation 2634055 (VCV002634055.2), dbSNP rs371220483, ClinGen allele CA10564702.